The following is an entry in ClinVar:

ClinVar aggregate classification (germline): Uncertain significance (1 of 4 stars; one submission).

Conditions:
Cardiovascular phenotype. Identifiers: MedGen CN230736.
Hereditary cancer-predisposing syndrome. Also called: Neoplastic Syndromes, Hereditary; Tumor predisposition; Hereditary Cancer Syndrome; Hereditary neoplastic syndrome. Identifiers: Orphanet 140162, MedGen C0027672, MeSH D009386, MONDO:0015356.

Allele frequency attached by ClinVar (database versions not stated): gnomAD exomes below 0.00001.
gnomAD v4.1: 1 of 1,614,098 alleles (0.000062%); highest among the groups gnomAD compares: Non-Finnish European, 0.000085%; no homozygotes.

Submission:

Ambry Genetics
Classification: Uncertain significance for Cardiovascular phenotype; Hereditary cancer-predisposing syndrome. Last evaluated: 2026-05-01. Review status: criteria provided, single submitter. Criteria: Ambry Variant Classification Scheme 2023. Collection method: clinical testing. Allele origin: germline.
Comment: The p.L1985P variant (also known as c.5954T>C), located in coding exon 40 of the NF1 gene, results from a T to C substitution at nucleotide position 5954. The leucine at codon 1985 is replaced by proline, an amino acid with similar properties. This amino acid position is conserved. In addition, this alteration is predicted to be deleterious by in silico analysis. Based on the available evidence, the clinical significance of this variant remains unclear.

NM_001042492.3(NF1):c.6017T>C (p.Leu2006Pro)

Gene: NF1 (neurofibromin 1; plus strand). Cytogenetic location: 17q11.2.
Variant type: single nucleotide variant.
Coding change: c.6017T>C on transcript NM_001042492.3 (MANE Select); coding-DNA position 6017, T replaced by C.
Protein change: p.Leu2006Pro; replaces leucine 2006 with proline.
Molecular consequence: missense variant.
Genome position (GRCh38, 1-based): chr17:31,336,343, T>C. VCF-style: chr17-31336343-T-C. GRCh37 (hg19) VCF-style: chr17-29663361-T-C.
Other names: c.5954T>C, p.Leu1985Pro (NM_000267.4); short protein forms L1985P, L2006P.
Identifiers: ClinVar variation 3237853 (VCV003237853.2), dbSNP rs2151553181.
Genomic context (GRCh38, chr17:31,336,343, plus strand): 5'-ATTAAATTGGTAGAGTGATTAAAAACATGTTATTTTCCTTCTTCAACTAGATTACAGATC[T>C]GCTTGATGTTGTACTAGACAGTTTCATCAAAACCAGTGCAACAGGTGGCTTGGGATCAAT-3'
Protein context (NP_001035957.1, residues 1996-2016): IWGSLGQITD[Leu2006Pro]LDVVLDSFIK